The following is an entry in ClinVar:

NM_152594.3(SPRED1):c.33-15871_33-15870del

Gene: SPRED1 (sprouty related EVH1 domain containing 1; plus strand). Cytogenetic location: 15q14.
Variant type: Deletion.
Coding change: c.33-15871_33-15870del on transcript NM_152594.3 (MANE Select); 15871 bases into the intron before coding-DNA position 33 through 15870 bases into the intron before coding-DNA position 33, 2 bases deleted (AG; older notation c.33-15871_33-15870delAG).
Molecular consequence: intron variant.
Genome position (GRCh38, 1-based): chr15:38,283,502-38,283,503, AG deleted. VCF-style (leftmost placement, unchanged base first): chr15-38283501-CAG-C. GRCh37 (hg19) VCF-style: chr15-38575702-CAG-C.
Identifiers: ClinVar variation 4883984 (VCV004883984.2).

ClinVar aggregate classification (germline): Uncertain significance (1 of 4 stars; one submission).

Submission:

Dasa
Classification: Uncertain significance. Last evaluated: 2025-11-28. Review status: criteria provided, single submitter. Criteria: DASA Assertion Criteria. Collection method: clinical testing. Allele origin: germline.
Comment: NM_152594.3(SPRED1):c.33-15871_33-15870del is an intronic variant. This variant is rare in population databases. The currently available literature and clinical evidence are not sufficient to establish a definitive association between this variant and the reported condition. Therefore, this variant is classified as a variant of uncertain significance.